The following is an entry in ClinVar:

ClinVar aggregate classification (germline): Benign. Review status: criteria provided, single submitter (1 of 4 stars). 2 submissions from 2 submitters: Benign (1). 1 of the submissions does not count toward it. Last evaluated 2018-01-12.

Conditions:
APC-Associated Polyposis Disorders.
Familial colorectal cancer. Identifiers: MedGen CN280943, MONDO:0023113. Disease mechanism: loss of function.

Allele frequency attached by ClinVar (database versions not stated): gnomAD exomes 0.04460; gnomAD 0.07219 and 0.07237; TOPMed 0.08018; 1000 Genomes Project 30x 0.11587; 1000 Genomes Project 0.11701.
gnomAD v4.1: 14,752 of 237,050 alleles (6.2%); highest among the groups gnomAD compares: African/African-American, 18%; 983 homozygotes.

Submissions (2):

Illumina Laboratory Services, Illumina
Classification: Benign for APC-Associated Polyposis Disorders. Last evaluated: 2018-01-12. Review status: criteria provided, single submitter. Criteria: ICSL Variant Classification Criteria 13 December 2019. Collection method: clinical testing. Allele origin: germline.
Comment: This variant was observed in the ICSL laboratory as part of a predisposition screen in an ostensibly healthy population. It had not been previously curated by ICSL or reported in the Human Gene Mutation Database (HGMD: prior to June 1st, 2018), and was therefore a candidate for classification through an automated scoring system. Utilizing variant allele frequency, disease prevalence and penetrance estimates, and inheritance mode, an automated score was calculated to assess if this variant is too frequent to cause the disease. Based on the score and internal cut-off values, a variant classified as benign is not then subjected to further curation. The score for this variant resulted in a classification of benign for this disease.

Systems Biology Platform Zhejiang California International NanoSystems Institute
Classification: other for Familial colorectal cancer. Review status: no assertion criteria provided. Collection method: not provided. Allele origin: unknown. Not counted in ClinVar's aggregate classification.
ClinVar note: Converted during submission from cancer to other.

NM_000038.6(APC):c.*434C>T

Gene: APC (APC regulator of Wnt signaling pathway; plus strand). Cytogenetic location: 5q22.2.
Variant type: single nucleotide variant.
Coding change: c.*434C>T on transcript NM_000038.6 (MANE Select); 434 bases downstream of the stop codon, C replaced by T.
Molecular consequence: 3 prime UTR variant.
Genome position (GRCh38, 1-based): chr5:112,844,560, C>T. VCF-style: chr5-112844560-C-T. GRCh37 (hg19) VCF-style: chr5-112180257-C-T.
Other names: c.*434C>T (NM_001127510.3, NM_001127511.3, NM_001354895.2 and 11 more transcripts).
Identifiers: ClinVar variation 83257 (VCV000083257.6), dbSNP rs12189, ClinGen allele CA009477.